The following is an entry in ClinVar:

ClinVar aggregate classification (germline): Likely benign. Review status: criteria provided, multiple submitters, no conflicts (2 of 4 stars). 3 submissions from 3 submitters: Likely benign (3). Last evaluated 2025-12-13.

Conditions:
Intellectual disability. Also called: Intellectual developmental disorder; intellectual disabilities; Intellectual functioning disability. Identifiers: MedGen C3714756, MeSH D008607, MONDO:0001071, HP:0001249.

Allele frequency attached by ClinVar (database versions not stated): gnomAD exomes 0.00001 and 0.00002; ExAC 0.00006; TOPMed 0.00006; gnomAD 0.00007 and 0.00008; ESP Exome Variant Server 0.00023.
gnomAD v4.1: 37 of 1,588,368 alleles (0.0023%); highest among the groups gnomAD compares: African/African-American, 0.029%; no homozygotes.

Submissions (3):

Labcorp Genetics (formerly Invitae), Labcorp
Classification: Likely benign for Intellectual disability. Last evaluated: 2025-12-13. Review status: criteria provided, single submitter. Criteria: Invitae Variant Classification Sherloc (09022015). Collection method: clinical testing. Allele origin: germline.

Blueprint Genetics
Classification: Likely benign. Last evaluated: 2023-05-08. Review status: criteria provided, single submitter. Criteria: ACMG Guidelines, 2015. Collection method: clinical testing. Allele origin: germline.

GeneDx
Classification: Likely benign. Last evaluated: 2017-11-22. Review status: criteria provided, single submitter. Criteria: GeneDx Variant Classification (06012015). Collection method: clinical testing. Allele origin: germline. Affected: yes.
Comment: This variant is considered likely benign or benign based on one or more of the following criteria: it is a conservative change, it occurs at a poorly conserved position in the protein, it is predicted to be benign by multiple in silico algorithms, and/or has population frequency not consistent with disease.

NM_001371727.1(GABRB2):c.237+12C>T

Gene: GABRB2 (gamma-aminobutyric acid type A receptor subunit beta2; minus strand). Cytogenetic location: 5q34.
Variant type: single nucleotide variant.
Coding change: c.237+12C>T on transcript NM_001371727.1 (MANE Select); 12 bases into the intron after coding-DNA position 237, C replaced by T.
Molecular consequence: intron variant.
Genome position (GRCh38, 1-based): chr5:161,545,215, G>A on the plus strand (C>T on the coding strand, the complement: GABRB2 is on the minus strand). VCF-style: chr5-161545215-G-A. GRCh37 (hg19) VCF-style: chr5-160972221-G-A.
Other names: c.237+12C>T (NM_000813.3, NM_021911.3).
Identifiers: ClinVar variation 507585 (VCV000507585.10), dbSNP rs371694224, ClinGen allele CA3543638.